The following is an entry in ClinVar:

ClinVar aggregate classification (germline): Uncertain significance (1 of 4 stars; one submission).

Conditions:
STING-associated vasculopathy with onset in infancy. Also called: Sting-associated vasculopathy, infantile-onset. Identifiers: Orphanet 425120, MedGen C4014722, MONDO:0014405, OMIM 615934.

Submission:

Labcorp Genetics (formerly Invitae), Labcorp
Classification: Uncertain significance for STING-associated vasculopathy with onset in infancy. Last evaluated: 2023-11-02. Review status: criteria provided, single submitter. Criteria: Invitae Variant Classification Sherloc (09022015). Collection method: clinical testing. Allele origin: germline.
Comment: This sequence change replaces alanine, which is neutral and non-polar, with aspartic acid, which is acidic and polar, at codon 97 of the TMEM173 protein (p.Ala97Asp). This variant is present in population databases (no rsID available, gnomAD 0.006%). This variant has not been reported in the literature in individuals affected with TMEM173-related conditions. Advanced modeling of protein sequence and biophysical properties (such as structural, functional, and spatial information, amino acid conservation, physicochemical variation, residue mobility, and thermodynamic stability) performed at Invitae indicates that this missense variant is expected to disrupt TMEM173 protein function with a positive predictive value of 80%. In summary, the available evidence is currently insufficient to determine the role of this variant in disease. Therefore, it has been classified as a Variant of Uncertain Significance.

NM_198282.4(STING1):c.290C>A (p.Ala97Asp)

Genes: STING1 (stimulator of interferon response cGAMP interactor 1; minus strand), LOC123522803 (Sharpr-MPRA regulatory region 11914; plus strand). Cytogenetic location: 5q31.2.
Variant type: single nucleotide variant.
Coding change: c.290C>A on transcript NM_198282.4 (MANE Select); coding-DNA position 290, C replaced by A.
Protein change: p.Ala97Asp; replaces alanine 97 with aspartic acid.
Molecular consequence: missense variant. On other transcripts: 5 prime UTR variant (1).
Genome position (GRCh38, 1-based): chr5:139,481,280, G>T on the plus strand (C>A on the coding strand, the complement: STING1 is on the minus strand). VCF-style: chr5-139481280-G-T. GRCh37 (hg19) VCF-style: chr5-138860865-G-T.
Other names: c.290C>A, p.Ala97Asp (NM_001301738.2); c.-68C>A (NM_001367258.1); short protein forms A97D.
Identifiers: ClinVar variation 2850369 (VCV002850369.3), dbSNP rs887937980, ClinGen allele CA361481443.